The following is an entry in ClinVar:

NM_004612.4(TGFBR1):c.505C>G (p.Pro169Ala)

Gene: TGFBR1 (transforming growth factor beta receptor 1; plus strand). Cytogenetic location: 9q22.33.
Variant type: single nucleotide variant.
Coding change: c.505C>G on transcript NM_004612.4 (MANE Select); coding-DNA position 505, C replaced by G.
Protein change: p.Pro169Ala; replaces proline 169 with alanine.
Molecular consequence: missense variant. On other transcripts: intron variant (1).
Genome position (GRCh38, 1-based): chr9:99,132,670, C>G. VCF-style: chr9-99132670-C-G. GRCh37 (hg19) VCF-style: chr9-101894952-C-G.
Other names: c.517C>G, p.Pro173Ala (NM_001306210.2); c.343+3570C>G (NM_001130916.3); short protein forms P169A, P173A.
Identifiers: ClinVar variation 922077 (VCV000922077.5), dbSNP rs1827278155, ClinGen allele CA374228258.
Genomic context (GRCh38, chr9:99,132,670, plus strand): 5'-CACAACCGCACTGTCATTCACCATCGAGTGCCAAATGAAGAGGACCCTTCATTAGATCGC[C>G]CTTTTATTTCAGAGGGTACTACGTTGAAAGACTTAATTTATGATATGACAACGTCAGGTT-3'
Protein context (NP_004603.1, residues 159-179): PNEEDPSLDR[Pro169Ala]FISEGTTLKD

ClinVar aggregate classification (germline): Uncertain significance. Review status: criteria provided, multiple submitters, no conflicts (2 of 4 stars). 2 submissions from 2 submitters: Uncertain significance (2). Last evaluated 2025-11-25.

Conditions:
Familial thoracic aortic aneurysm and aortic dissection (TAAD). Also called: Thoracic aortic aneurysms and dissections. Identifiers: Orphanet 91387, MedGen C4707243, MONDO:0019625.

Allele frequency attached by ClinVar (database versions not stated): gnomAD exomes below 0.00001.
gnomAD v4.1: 1 of 1,614,102 alleles (0.000062%); highest among the groups gnomAD compares: Non-Finnish European, 0.000085%; no homozygotes.

Submissions (2):

Labcorp Genetics (formerly Invitae), Labcorp
Classification: Uncertain significance for Familial thoracic aortic aneurysm and aortic dissection. Last evaluated: 2025-11-25. Review status: criteria provided, single submitter. Criteria: Invitae Variant Classification Sherloc (09022015). Collection method: clinical testing. Allele origin: germline.
Comment: This sequence change replaces proline, which is neutral and non-polar, with alanine, which is neutral and non-polar, at codon 169 of the TGFBR1 protein (p.Pro169Ala). This variant is not present in population databases (gnomAD no frequency). This variant has not been reported in the literature in individuals affected with TGFBR1-related conditions. ClinVar contains an entry for this variant (Variation ID: 922077). Invitae Evidence Modeling of protein sequence and biophysical properties (such as structural, functional, and spatial information, amino acid conservation, physicochemical variation, residue mobility, and thermodynamic stability) indicates that this missense variant is not expected to disrupt TGFBR1 protein function with a negative predictive value of 95%. In summary, the available evidence is currently insufficient to determine the role of this variant in disease. Therefore, it has been classified as a Variant of Uncertain Significance.

Color Diagnostics, LLC DBA Color Health
Classification: Uncertain significance for Familial thoracic aortic aneurysm and aortic dissection. Last evaluated: 2024-03-06. Review status: criteria provided, single submitter. Criteria: ACMG Guidelines, 2015. Collection method: clinical testing. Allele origin: germline.
Comment: This missense variant replaces proline with alanine at codon 169 of the TGFBR1 protein. Computational prediction suggests that this variant may not impact protein structure and function (internally defined REVEL score threshold <= 0.5, PMID: 27666373). Splice site prediction tools suggest that this variant may not impact RNA splicing. To our knowledge, functional studies have not been performed for this variant. This variant has not been reported in individuals affected with cardiovascular disorders in the literature. This variant has not been identified in the general population by the Genome Aggregation Database (gnomAD). The available evidence is insufficient to determine the role of this variant in disease conclusively. Therefore, this variant is classified as a Variant of Uncertain Significance.